The following is an entry in ClinVar:

NM_021098.3(CACNA1H):c.3655G>A (p.Gly1219Arg)

Gene: CACNA1H (calcium voltage-gated channel subunit alpha1 H; plus strand). Cytogenetic location: 16p13.3.
Variant type: single nucleotide variant.
Coding change: c.3655G>A on transcript NM_021098.3 (MANE Select); coding-DNA position 3655, G replaced by A.
Protein change: p.Gly1219Arg; replaces glycine 1219 with arginine.
Molecular consequence: missense variant.
Genome position (GRCh38, 1-based): chr16:1,209,323, G>A. VCF-style: chr16-1209323-G-A. GRCh37 (hg19) VCF-style: chr16-1259323-G-A.
Other names: c.3655G>A, p.Gly1219Arg (NM_001005407.2); short protein forms G1219R.
Identifiers: ClinVar variation 382547 (VCV000382547.11), dbSNP rs746322724, ClinGen allele CA7800836.

ClinVar aggregate classification (germline): Conflicting classifications of pathogenicity. Review status: criteria provided, conflicting classifications (1 of 4 stars). 3 submissions from 3 submitters: Uncertain significance (2); Likely benign (1). Last evaluated 2023-05-15.

Conditions:
Epilepsy, childhood absence, susceptibility to, 6. Identifiers: Orphanet 64280, MedGen C2749872, MONDO:0012763, OMIM 611942.
Hyperaldosteronism, familial, type IV (HALD4). Also called: FH IV; ALDOSTERONISM, PRIMARY, AND HYPERTENSION. Identifiers: Orphanet 642671, MedGen C4310756, MONDO:0014875, OMIM 617027.
Idiopathic generalized epilepsy. Also called: Generalised epilepsy; EIG. Identifiers: MedGen C0270850, MONDO:0005579, OMIM 600669.

Allele frequency attached by ClinVar (database versions not stated): ExAC 0.00001; TOPMed 0.00001.
gnomAD v4.1: 39 of 1,597,902 alleles (0.0024%); highest among the groups gnomAD compares: Middle Eastern, 0.017%; no homozygotes.

Submissions (3):

Labcorp Genetics (formerly Invitae), Labcorp
Classification: Likely benign for Idiopathic generalized epilepsy; Hyperaldosteronism, familial, type IV. Last evaluated: 2023-05-15. Review status: criteria provided, single submitter. Criteria: Invitae Variant Classification Sherloc (09022015). Collection method: clinical testing. Allele origin: germline.

Fulgent Genetics
Classification: Uncertain significance for Epilepsy, childhood absence, susceptibility to, 6; Hyperaldosteronism, familial, type IV. Last evaluated: 2022-02-02. Review status: criteria provided, single submitter. Criteria: ACMG Guidelines, 2015. Collection method: clinical testing. Allele origin: unknown.

GeneDx
Classification: Uncertain significance. Last evaluated: 2016-01-05. Review status: criteria provided, single submitter. Criteria: GeneDx Variant Classification (06012015). Collection method: clinical testing. Allele origin: germline. Affected: yes.
Comment: The G1219R variant in the CACNA1H gene has not been reported previously as a pathogenic variant,nor as a benign variant, to our knowledge. The G1219R variant was not observed in approximately6100 individuals of European and African American ancestry in the NHLBI Exome SequencingProject, indicating it is not a common benign variant in these populations. The G1219R variant is anon-conservative amino acid substitution, which is likely to impact secondary protein structure asthese residues differ in polarity, charge, size and/or other properties. This substitution occurs at aposition that is conserved in mammals. In silico analysis is inconsistent in its predictions as to whetheror not the variant is damaging to the protein structure/function. We interpret G1219R as a variant ofuncertain significance.